The following is an entry in ClinVar:

ClinVar aggregate classification (germline): Likely benign. Review status: criteria provided, multiple submitters, no conflicts (2 of 4 stars). 2 submissions from 2 submitters: Likely benign (2). Last evaluated 2026-01-09.

Conditions:
KMT2E-related disorder. Also called: KMT2E-related condition.

Allele frequency attached by ClinVar (database versions not stated): gnomAD exomes 0.00001; ExAC 0.00002; gnomAD 0.00005; ESP Exome Variant Server 0.00008; TOPMed 0.00011.
gnomAD v4.1: 22 of 1,614,056 alleles (0.0014%); highest among the groups gnomAD compares: African/African-American, 0.016%; no homozygotes.

Submissions (2):

PreventionGenetics, part of Exact Sciences
Classification: Likely benign for KMT2E-related condition. Last evaluated: 2026-01-09. Review status: criteria provided, single submitter. Criteria: ACMG Guidelines, 2015. Collection method: clinical testing. Allele origin: germline.
Comment: This variant is classified as likely benign based on ACMG/AMP sequence variant interpretation guidelines (Richards et al. 2015 PMID: 25741868, with internal and published modifications).

Labcorp Genetics (formerly Invitae), Labcorp
Classification: Likely benign. Last evaluated: 2024-07-31. Review status: criteria provided, single submitter. Criteria: Invitae Variant Classification Sherloc (09022015). Collection method: clinical testing. Allele origin: germline.

NM_182931.3(KMT2E):c.5394A>G (p.Gln1798=)

Gene: KMT2E (lysine methyltransferase 2E (inactive); plus strand). Cytogenetic location: 7q22.3.
Variant type: single nucleotide variant.
Coding change: c.5394A>G on transcript NM_182931.3 (MANE Select); coding-DNA position 5394, A replaced by G.
Protein change: p.Gln1798=; no amino-acid change (glutamine 1798 retained).
Molecular consequence: synonymous variant.
Genome position (GRCh38, 1-based): chr7:105,113,150, A>G. VCF-style: chr7-105113150-A-G. GRCh37 (hg19) VCF-style: chr7-104753597-A-G.
Other names: c.5394A>G (NM_182931.2); c.5268A>G, p.Gln1756= (NM_001410908.1); c.5394A>G, p.Gln1798= (NM_018682.4).
Identifiers: ClinVar variation 2073669 (VCV002073669.5), dbSNP rs376480805, ClinGen allele CA4424975.